The following is an entry in ClinVar:

ClinVar aggregate classification (germline): Benign/Likely benign. Review status: criteria provided, multiple submitters, no conflicts (2 of 4 stars). 3 submissions from 3 submitters: Benign (1); Likely benign (2). Last evaluated 2025-03-12.

Conditions:
Gastrointestinal stromal tumor. Also called: Gastrointestinal stromal tumor, somatic; Gastrointestinal stroma tumor. Identifiers: Orphanet 44890, MedGen C0238198, MeSH D046152, MONDO:0011719, OMIM 606764, HP:0100723.
Pheochromocytoma/paraganglioma syndrome 4. Also called: SDHB-Related Hereditary Paraganglioma-Pheochromocytoma Syndrome (Paragangliomas 4); SDHB-Related Hereditary Paraganglioma-Pheochromocytoma Syndrome; CAROTID BODY TUMORS AND MULTIPLE EXTRAADRENAL PHEOCHROMOCYTOMAS; PARAGANGLIOMA, FAMILIAL MALIGNANT; PARAGANGLIOMAS, HEREDITARY EXTRAADRENAL; PHEOCHROMOCYTOMA, FAMILIAL EXTRAADRENAL. Identifiers: Orphanet 29072, MedGen C1861848, MONDO:0007273, OMIM 115310.
Pheochromocytoma. Also called: MAX-Related Hereditary Paraganglioma-Pheochromocytoma Syndrome. Identifiers: Orphanet 29072, MedGen C0031511, MONDO:0008233, OMIM 171300, HP:0002666.
Hereditary cancer-predisposing syndrome. Also called: Neoplastic Syndromes, Hereditary; Hereditary Cancer Syndrome; Hereditary neoplastic syndrome; Tumor predisposition. Identifiers: Orphanet 140162, MedGen C0027672, MeSH D009386, MONDO:0015356.

Submissions (3):

Myriad Genetics, Inc.
Classification: Benign for Pheochromocytoma/paraganglioma syndrome 4. Last evaluated: 2025-03-12. Review status: criteria provided, single submitter. Criteria: Myriad Autosomal Dominant, Autosomal Recessive and X-Linked Classification Criteria (2023). Collection method: clinical testing. Allele origin: unknown.
Comment: This variant is considered benign. This variant is a silent/synonymous amino acid change and it is not expected to impact splicing.

Labcorp Genetics (formerly Invitae), Labcorp
Classification: Likely benign for Gastrointestinal stromal tumor; Pheochromocytoma/paraganglioma syndrome 4; Pheochromocytoma. Last evaluated: 2022-12-25. Review status: criteria provided, single submitter. Criteria: Invitae Variant Classification Sherloc (09022015). Collection method: clinical testing. Allele origin: germline.

Ambry Genetics
Classification: Likely benign for Hereditary cancer-predisposing syndrome. Last evaluated: 2021-10-04. Review status: criteria provided, single submitter. Criteria: Ambry Variant Classification Scheme 2023. Collection method: clinical testing. Allele origin: germline.

NM_003000.3(SDHB):c.267C>T (p.Phe89=)

Gene: SDHB (succinate dehydrogenase complex iron sulfur subunit B; minus strand). Cytogenetic location: 1p36.13.
Variant type: single nucleotide variant.
Coding change: c.267C>T on transcript NM_003000.3 (MANE Select); coding-DNA position 267, C replaced by T.
Protein change: p.Phe89=; no amino-acid change (phenylalanine 89 retained).
Molecular consequence: synonymous variant.
Genome position (GRCh38, 1-based): chr1:17,033,079, G>A on the plus strand (C>T on the coding strand, the complement: SDHB is on the minus strand). VCF-style: chr1-17033079-G-A. GRCh37 (hg19) VCF-style: chr1-17359574-G-A.
Identifiers: ClinVar variation 742705 (VCV000742705.10), dbSNP rs1553178042, ClinGen allele CA416089273.